The following is an entry in ClinVar:

NM_006206.6(PDGFRA):c.1495G>A (p.Val499Met)

Gene: PDGFRA (platelet derived growth factor receptor alpha; plus strand). Cytogenetic location: 4q12.
Variant type: single nucleotide variant.
Coding change: c.1495G>A on transcript NM_006206.6 (MANE Select); coding-DNA position 1495, G replaced by A.
Protein change: p.Val499Met; replaces valine 499 with methionine.
Molecular consequence: missense variant.
Genome position (GRCh38, 1-based): chr4:54,273,667, G>A. VCF-style: chr4-54273667-G-A. GRCh37 (hg19) VCF-style: chr4-55139834-G-A.
Other names: c.1495G>A, p.Val499Met (NM_001347827.2, NM_001347829.2); c.1570G>A, p.Val524Met (NM_001347828.2); c.1534G>A, p.Val512Met (NM_001347830.2); short protein forms V499M, V512M, V524M.
Identifiers: ClinVar variation 663398 (VCV000663398.14), dbSNP rs746574289, ClinGen allele CA2922585.

ClinVar aggregate classification (germline): Conflicting classifications of pathogenicity. Review status: criteria provided, conflicting classifications (1 of 4 stars). 4 submissions from 4 submitters: Uncertain significance (3); Likely benign (1). Last evaluated 2026-01-04.

Conditions:
Polyps, multiple and recurrent inflammatory fibroid, gastrointestinal. Identifiers: MedGen C5193005, MONDO:0008285, OMIM 175510.
Idiopathic hypereosinophilic syndrome (HES). Identifiers: Orphanet 3260, MedGen C0206141, MONDO:0011895, OMIM 607685. Disease mechanism: gain of function.
Hereditary cancer-predisposing syndrome. Also called: Neoplastic Syndromes, Hereditary; Tumor predisposition; Hereditary neoplastic syndrome; Hereditary Cancer Syndrome. Identifiers: Orphanet 140162, MedGen C0027672, MeSH D009386, MONDO:0015356.
Gastrointestinal stromal tumor. Also called: Gastrointestinal stromal tumor, somatic; Gastrointestinal stroma tumor. Identifiers: Orphanet 44890, MedGen C0238198, MeSH D046152, MONDO:0011719, OMIM 606764, HP:0100723.

Allele frequency attached by ClinVar (database versions not stated): TOPMed below 0.00001; gnomAD exomes 0.00001; ExAC 0.00002.
gnomAD v4.1: 15 of 1,614,020 alleles (0.00093%); highest among the groups gnomAD compares: South Asian, 0.0077%; 1 homozygote.

Submissions (4):

Labcorp Genetics (formerly Invitae), Labcorp
Classification: Uncertain significance for Gastrointestinal stromal tumor. Last evaluated: 2026-01-04. Review status: criteria provided, single submitter. Criteria: Invitae Variant Classification Sherloc (09022015). Collection method: clinical testing. Allele origin: germline.
Comment: This sequence change replaces valine, which is neutral and non-polar, with methionine, which is neutral and non-polar, at codon 499 of the PDGFRA protein (p.Val499Met). This variant is present in population databases (rs746574289, gnomAD 0.006%). This variant has not been reported in the literature in individuals affected with PDGFRA-related conditions. ClinVar contains an entry for this variant (Variation ID: 663398). Invitae Evidence Modeling of protein sequence and biophysical properties (such as structural, functional, and spatial information, amino acid conservation, physicochemical variation, residue mobility, and thermodynamic stability) indicates that this missense variant is not expected to disrupt PDGFRA protein function with a negative predictive value of 80%. In summary, the available evidence is currently insufficient to determine the role of this variant in disease. Therefore, it has been classified as a Variant of Uncertain Significance.

GeneDx
Classification: Uncertain significance. Last evaluated: 2024-04-30. Review status: criteria provided, single submitter. Criteria: GeneDx Variant Classification Process June 2021. Collection method: clinical testing. Allele origin: germline.
Comment: Not observed at significant frequency in large population cohorts (gnomAD); In silico analysis indicates that this missense variant does not alter protein structure/function; Has not been previously published as pathogenic or benign to our knowledge

Fulgent Genetics
Classification: Uncertain significance for Polyps, multiple and recurrent inflammatory fibroid, gastrointestinal; Idiopathic hypereosinophilic syndrome. Last evaluated: 2024-01-15. Review status: criteria provided, single submitter. Criteria: ACMG Guidelines, 2015. Collection method: clinical testing. Allele origin: germline.

Ambry Genetics
Classification: Likely benign for Hereditary cancer-predisposing syndrome. Last evaluated: 2022-11-01. Review status: criteria provided, single submitter. Criteria: Ambry Variant Classification Scheme 2023. Collection method: clinical testing. Allele origin: germline.